The following is an entry in ClinVar:

ClinVar aggregate classification (germline): Benign/Likely benign. Review status: criteria provided, multiple submitters, no conflicts (2 of 4 stars). 3 submissions from 3 submitters: Benign (1); Likely benign (2). Last evaluated 2024-07-30.

Conditions:
Hereditary cancer-predisposing syndrome. Also called: Hereditary Cancer Syndrome; Hereditary neoplastic syndrome; Neoplastic Syndromes, Hereditary; Tumor predisposition. Identifiers: Orphanet 140162, MedGen C0027672, MeSH D009386, MONDO:0015356.
Familial adenomatous polyposis 1 (FAP1). Also called: FAMILIAL ADENOMATOUS POLYPOSIS 1, ATTENUATED; POLYPOSIS, ADENOMATOUS INTESTINAL. Identifiers: MedGen C2713442, MONDO:0021056, OMIM 175100. Disease mechanism: loss of function.

Allele frequency attached by ClinVar (database versions not stated): gnomAD exomes below 0.00001.
gnomAD v4.1: 2 of 1,614,190 alleles (0.00012%); highest among the groups gnomAD compares: South Asian, 0.0011%; no homozygotes.

Submissions (3):

Labcorp Genetics (formerly Invitae), Labcorp
Classification: Likely benign for Familial adenomatous polyposis 1. Last evaluated: 2024-07-30. Review status: criteria provided, single submitter. Criteria: Invitae Variant Classification Sherloc (09022015). Collection method: clinical testing. Allele origin: germline.

Ambry Genetics
Classification: Likely benign for Hereditary cancer-predisposing syndrome. Last evaluated: 2024-07-16. Review status: criteria provided, single submitter. Criteria: Ambry Variant Classification Scheme 2023. Collection method: clinical testing. Allele origin: germline.

Myriad Genetics, Inc.
Classification: Benign for Familial adenomatous polyposis 1. Last evaluated: 2024-03-14. Review status: criteria provided, single submitter. Criteria: Myriad Autosomal Dominant, Autosomal Recessive and X-Linked Classification Criteria (2023). Collection method: clinical testing. Allele origin: unknown.
Comment: This variant is considered benign. This variant is a silent/synonymous amino acid change and it is not expected to impact splicing.

NM_000038.6(APC):c.2625G>A (p.Lys875=)

Gene: APC (APC regulator of Wnt signaling pathway; plus strand). Cytogenetic location: 5q22.2.
Variant type: single nucleotide variant.
Coding change: c.2625G>A on transcript NM_000038.6 (MANE Select); coding-DNA position 2625, G replaced by A.
Protein change: p.Lys875=; no amino-acid change (lysine 875 retained).
Molecular consequence: synonymous variant. On other transcripts: non-coding transcript variant (2).
Genome position (GRCh38, 1-based): chr5:112,838,219, G>A. VCF-style: chr5-112838219-G-A. GRCh37 (hg19) VCF-style: chr5-112173916-G-A.
Other names: c.2625G>A (NM_000038.5); c.2625G>A, p.Lys875= (NM_001127510.3, NM_001354895.2, NM_001407450.1); c.2571G>A, p.Lys857= (NM_001127511.3); c.2679G>A, p.Lys893= (NM_001354896.2, NM_001407447.1, NM_001407448.1 and 1 more transcripts); c.2655G>A, p.Lys885= (NM_001354897.2); c.2550G>A, p.Lys850= (NM_001354898.2); c.2541G>A, p.Lys847= (NM_001354899.2); c.2502G>A, p.Lys834= (NM_001354900.2); and 12 more.
Identifiers: ClinVar variation 3000105 (VCV003000105.5), dbSNP rs2149873941, ClinGen allele CA445962963.